The following is an entry in ClinVar:

NM_000426.4(LAMA2):c.8836G>A (p.Gly2946Arg)

Gene: LAMA2 (laminin subunit alpha 2; plus strand). Cytogenetic location: 6q22.33.
Variant type: single nucleotide variant.
Coding change: c.8836G>A on transcript NM_000426.4 (MANE Select); coding-DNA position 8836, G replaced by A.
Protein change: p.Gly2946Arg; replaces glycine 2946 with arginine.
Molecular consequence: missense variant.
Genome position (GRCh38, 1-based): chr6:129,507,621, G>A. VCF-style: chr6-129507621-G-A. GRCh37 (hg19) VCF-style: chr6-129828766-G-A.
Other names: c.8824G>A, p.Gly2942Arg (NM_001079823.2); short protein forms G2946R, G2942R.
Identifiers: ClinVar variation 355305 (VCV000355305.12), dbSNP rs370843758, ClinGen allele CA3994926.

ClinVar aggregate classification (germline): Conflicting classifications of pathogenicity. Review status: criteria provided, conflicting classifications (1 of 4 stars). 5 submissions from 5 submitters: Uncertain significance (3); Likely benign (1). 1 of the submissions does not count toward it. Last evaluated 2025-12-11.

Conditions:
LAMA2-related muscular dystrophy (LAMA2-RD). Also called: Laminin alpha 2-related dystrophy. Identifiers: MedGen C5679788, MONDO:0100228.
Merosin deficient congenital muscular dystrophy (MDC1A). Also called: Congenital merosin-deficient muscular dystrophy 1A; Congenital Muscular Dystrophy Type 1A (MDC1A). Identifiers: Orphanet 258, MedGen C1263858, MONDO:0011925, OMIM 607855.
Congenital muscular dystrophy due to partial LAMA2 deficiency. Identifiers: MedGen C1842898.
Muscular dystrophy, limb-girdle, autosomal recessive 23. Identifiers: Orphanet 565837, MedGen C4748327, MONDO:0029136, OMIM 618138.

Allele frequency attached by ClinVar (database versions not stated): gnomAD exomes 0.00012 and 0.00014; ExAC 0.00014; 1000 Genomes Project 30x 0.00031; 1000 Genomes Project 0.00040; gnomAD 0.00006 and 0.00009; TOPMed 0.00007; ESP Exome Variant Server 0.00008.
gnomAD v4.1: 210 of 1,614,116 alleles (0.013%); highest among the groups gnomAD compares: South Asian, 0.047%; 1 homozygote.

Submissions (5):

Labcorp Genetics (formerly Invitae), Labcorp
Classification: Likely benign for LAMA2-related muscular dystrophy. Last evaluated: 2025-12-11. Review status: criteria provided, single submitter. Criteria: Invitae Variant Classification Sherloc (09022015). Collection method: clinical testing. Allele origin: germline.

Women's Health and Genetics/Laboratory Corporation of America, LabCorp
Classification: Uncertain significance. Last evaluated: 2022-04-08. Review status: criteria provided, single submitter. Criteria: LabCorp Variant Classification Summary - May 2015. Collection method: clinical testing. Allele origin: germline.
Comment: Variant summary: LAMA2 c.8836G>A (p.Gly2946Arg) results in a non-conservative amino acid change located in the Laminin G domain (IPR001791) of the encoded protein sequence. Four of five in-silico tools predict a damaging effect of the variant on protein function. The variant allele was found at a frequency of 0.00012 in 251352 control chromosomes (gnomAD). This frequency is not significantly higher than expected for a pathogenic variant in LAMA2 causing Laminin Alpha 2-Related Dystrophy (0.00012 vs 0.0022), allowing no conclusion about variant significance. c.8836G>A has been reported in the literature in at least one compound heterozygous individual affected with Laminin Alpha 2-Related Dystrophy (Sframeli_2017). These data do not allow any conclusion about variant significance. To our knowledge, no experimental evidence demonstrating an impact on protein function has been reported. Three ClinVar submitters have assessed the variant since 2014: all three classified the variant as of uncertain significance. Based on the evidence outlined above, the variant was classified as uncertain significance.

Fulgent Genetics
Classification: Uncertain significance for Merosin deficient congenital muscular dystrophy; Muscular dystrophy, limb-girdle, autosomal recessive 23. Last evaluated: 2021-10-08. Review status: criteria provided, single submitter. Criteria: ACMG Guidelines, 2015. Collection method: clinical testing. Allele origin: unknown.

Illumina Laboratory Services, Illumina
Classification: Uncertain significance for Congenital muscular dystrophy due to partial LAMA2 deficiency. Last evaluated: 2018-01-13. Review status: criteria provided, single submitter. Criteria: ICSL Variant Classification Criteria 13 December 2019. Collection method: clinical testing. Allele origin: germline.

Counsyl
Classification: Uncertain significance for Merosin deficient congenital muscular dystrophy. Last evaluated: 2018-03-19. Review status: no assertion criteria provided. Collection method: clinical testing. Allele origin: unknown. Not counted in ClinVar's aggregate classification.

Literature cited by the submitters: PubMed 28688748 (cited by Women's Health and Genetics/Laboratory Corporation of America, LabCorp and Counsyl).